The following is an entry in ClinVar:

ClinVar aggregate classification (germline): Benign (1 of 4 stars; one submission).

Conditions:
Hereditary pheochromocytoma and paraganglioma. Also called: Hereditary Paraganglioma-Pheochromocytoma Syndromes; Hereditary paragangliomas and pheochromocytomas; Hereditary pheochromocytoma-paraganglioma. Identifiers: Orphanet 29072, MedGen C4274332, MONDO:0017366.

Allele frequency attached by ClinVar (database versions not stated): gnomAD exomes 0.00004; gnomAD 0.00007 and 0.00001; 1000 Genomes Project 30x 0.00062; TOPMed 0.00002; 1000 Genomes Project 0.00060.

Submission:

Illumina Laboratory Services, Illumina
Classification: Benign for Hereditary Paraganglioma-Pheochromocytoma Syndromes. Last evaluated: 2018-01-12. Review status: criteria provided, single submitter. Criteria: ICSL Variant Classification Criteria 13 December 2019. Collection method: clinical testing. Allele origin: germline.
Comment: This variant was observed in the ICSL laboratory as part of a predisposition screen in an ostensibly healthy population. It had not been previously curated by ICSL or reported in the Human Gene Mutation Database (HGMD: prior to June 1st, 2018), and was therefore a candidate for classification through an automated scoring system. Utilizing variant allele frequency, disease prevalence and penetrance estimates, and inheritance mode, an automated score was calculated to assess if this variant is too frequent to cause the disease. Based on the score and internal cut-off values, a variant classified as benign is not then subjected to further curation. The score for this variant resulted in a classification of benign for this disease.

NM_003001.3(SDHC):c.*1363A>C

Gene: SDHC (succinate dehydrogenase complex subunit C; plus strand). Cytogenetic location: 1q23.3.
Variant type: single nucleotide variant.
Coding change: c.*1363A>C on transcript NM_003001.3; 1363 bases downstream of the stop codon, A replaced by C.
Genome position (GRCh38, 1-based): chr1:161,363,796, A>C. VCF-style: chr1-161363796-A-C. GRCh37 (hg19) VCF-style: chr1-161333586-A-C.
Identifiers: ClinVar variation 873685 (VCV000873685.6), dbSNP rs555774841, ClinGen allele CA31440258.